The following is an entry in ClinVar:

ClinVar aggregate classification (germline): Likely benign. Review status: criteria provided, multiple submitters, no conflicts (2 of 4 stars). 2 submissions from 2 submitters: Likely benign (2). Last evaluated 2024-09-30.

Conditions:
Familial cancer of breast. Also called: Hereditary breast cancer; hereditary breast carcinoma; BREAST CANCER, FAMILIAL. Identifiers: Orphanet 227535, MedGen C0346153, MONDO:0016419, OMIM 114480. Disease mechanism: loss of function.
Fanconi anemia complementation group J. Also called: BRIP1-Related Fanconi Anemia. Identifiers: Orphanet 84, MedGen C1836860, MONDO:0012187, OMIM 609054.

Submissions (2):

Labcorp Genetics (formerly Invitae), Labcorp
Classification: Likely benign for Familial cancer of breast; Fanconi anemia complementation group J. Last evaluated: 2024-09-30. Review status: criteria provided, single submitter. Criteria: Invitae Variant Classification Sherloc (09022015). Collection method: clinical testing. Allele origin: germline.

Myriad Genetics, Inc.
Classification: Likely benign for Familial cancer of breast. Last evaluated: 2024-08-28. Review status: criteria provided, single submitter. Criteria: Myriad Autosomal Dominant, Autosomal Recessive and X-Linked Classification Criteria (2023). Collection method: clinical testing. Allele origin: unknown.
Comment: This variant is considered likely benign. This variant is intronic and is not expected to impact mRNA splicing.

NM_032043.3(BRIP1):c.1474-16T>C

Gene: BRIP1 (BRCA1 interacting DNA helicase 1; minus strand). Cytogenetic location: 17q23.2.
Variant type: single nucleotide variant.
Coding change: c.1474-16T>C on transcript NM_032043.3 (MANE Select); 16 bases into the intron before coding-DNA position 1474, T replaced by C.
Molecular consequence: intron variant.
Genome position (GRCh38, 1-based): chr17:61,784,440, A>G on the plus strand (T>C on the coding strand, the complement: BRIP1 is on the minus strand). VCF-style: chr17-61784440-A-G. GRCh37 (hg19) VCF-style: chr17-59861801-A-G.
Identifiers: ClinVar variation 2064330 (VCV002064330.5), dbSNP rs924142511, ClinGen allele CA292283090.
Genomic context (GRCh38, chr17:61,784,440, plus strand): 5'-TGGTGAGATTTTTTCCTCTTTTTGAAGAACAGCAGAAAAATGTCCCTATAAGAAATTACC[A>G]TATTAAGTATAGAGGGGTTGGGAGGGAATTGGAAAAAGAAACTTCTCAAAAATACAATGA-3'